The following is an entry in ClinVar:

NM_020207.7(ERCC6L2):c.791T>C (p.Leu264Ser)

Gene: ERCC6L2 (ERCC excision repair 6 like 2; plus strand). Cytogenetic location: 9q22.32.
Variant type: single nucleotide variant.
Coding change: c.791T>C on transcript NM_020207.7 (MANE Select); coding-DNA position 791, T replaced by C.
Protein change: p.Leu264Ser; replaces leucine 264 with serine.
Molecular consequence: missense variant. On other transcripts: non-coding transcript variant (1).
Genome position (GRCh38, 1-based): chr9:95,915,670, T>C. VCF-style: chr9-95915670-T-C. GRCh37 (hg19) VCF-style: chr9-98677952-T-C.
Other names: c.791T>C, p.Leu264Ser (NM_001010895.4, NM_001375291.1, NM_001375292.1 and 2 more transcripts); short protein forms L264S.
Identifiers: ClinVar variation 4019283 (VCV004019283.1).

ClinVar aggregate classification (germline): Uncertain significance (1 of 4 stars; one submission).

Conditions:
Inborn genetic diseases. Identifiers: MedGen C0950123, MeSH D030342.

gnomAD v4.1: 3 of 1,608,306 alleles (0.00019%); highest among the groups gnomAD compares: Admixed American, 0.0034%; no homozygotes.

Submission:

Ambry Genetics
Classification: Uncertain significance for Inborn genetic diseases. Last evaluated: 2025-03-30. Review status: criteria provided, single submitter. Criteria: Ambry Variant Classification Scheme 2023. Collection method: clinical testing. Allele origin: germline.
Comment: The p.L264S variant (also known as c.791T>C), located in coding exon 5 of the ERCC6L2 gene, results from a T to C substitution at nucleotide position 791. The leucine at codon 264 is replaced by serine, an amino acid with dissimilar properties. This amino acid position is conserved. In addition, the in silico prediction for this alteration is inconclusive. Based on the available evidence, the clinical significance of this variant remains unclear.